The following is an entry in ClinVar:

ClinVar aggregate classification (germline): Conflicting classifications of pathogenicity. Review status: criteria provided, conflicting classifications (1 of 4 stars). 32 submissions from 31 submitters: Uncertain significance (2); Benign (7); Likely benign (9). 14 of the submissions do not count toward it. Last evaluated 2026-01-28.

Conditions:
BRCA2-related disorder. Also called: BRCA2-related condition; BRCA2-related disorders. Identifiers: MedGen CN239275.
Breast and/or ovarian cancer. Identifiers: MedGen CN221562.
Hereditary cancer-predisposing syndrome. Also called: Hereditary Cancer Syndrome; Tumor predisposition; Neoplastic Syndromes, Hereditary; Hereditary neoplastic syndrome. Identifiers: Orphanet 140162, MedGen C0027672, MeSH D009386, MONDO:0015356.
Hereditary breast ovarian cancer syndrome. Also called: Breast and ovarian cancer; BRCA1- and BRCA2-Associated Hereditary Breast and Ovarian Cancer; Hereditary breast and ovarian cancer; Hereditary breast and ovarian cancer syndrome (HBOC); Hereditary breast and ovarian cancer syndrome; Hereditary breast and/or ovarian cancer syndrome. Identifiers: Orphanet 145, MedGen C0677776, MeSH D061325, MONDO:0003582. Disease mechanism: loss of function.
Breast-ovarian cancer, familial, susceptibility to, 2 (BROVCA2). Also called: BRCA2 Hereditary Breast and Ovarian Cancer. Identifiers: Orphanet 145, MedGen C2675520, MONDO:0012933, OMIM 612555. Disease mechanism: loss of function.
Fanconi anemia complementation group D1. Also called: BRCA2-Related Fanconi Anemia. Identifiers: Orphanet 319462, MedGen C1838457, MONDO:0011584, OMIM 605724.
Familial cancer of breast. Also called: BREAST CANCER, FAMILIAL; hereditary breast carcinoma; Hereditary breast cancer. Identifiers: Orphanet 227535, MedGen C0346153, MONDO:0016419, OMIM 114480. Disease mechanism: loss of function.
Malignant tumor of breast. Also called: Malignant breast neoplasm; Cancer breast. Identifiers: MedGen C0006142, MONDO:0007254. Disease mechanism: loss of function.

Allele frequency attached by ClinVar (database versions not stated): 1000 Genomes Project 0.00020; gnomAD exomes 0.00079 and 0.00149; gnomAD 0.00116 and 0.00126; ExAC 0.00136; TOPMed 0.00009; 1000 Genomes Project 30x 0.00016.
gnomAD v4.1: 1,312 of 1,613,926 alleles (0.081%); highest among the groups gnomAD compares: Non-Finnish European, 0.04%; 6 homozygotes.

Submissions 1 to 18 of 32:

Labcorp Genetics (formerly Invitae), Labcorp
Classification: Benign for Hereditary breast ovarian cancer syndrome. Last evaluated: 2026-01-28. Review status: criteria provided, single submitter. Criteria: Invitae Variant Classification Sherloc (09022015). Collection method: clinical testing. Allele origin: germline.

Center for Genomic Medicine, Rigshospitalet, Copenhagen University Hospital
Classification: Likely benign. Last evaluated: 2025-03-04. Review status: criteria provided, single submitter. Criteria: ACMG Guidelines, 2015. Collection method: clinical testing. Allele origin: germline.

CeGaT Center for Human Genetics Tuebingen
Classification: Likely benign. Last evaluated: 2025-02-01. Review status: criteria provided, single submitter. Criteria: CeGaT Center For Human Genetics Tuebingen Variant Classification Criteria Version 2. Collection method: clinical testing. Allele origin: germline. Affected: yes. Observed: 5 variant alleles.
Comment: BRCA2: BP1, BP4

Department of Clinical Genetics, Copenhagen University Hospital, Rigshospitalet
Classification: Benign for Breast-ovarian cancer, familial, susceptibility to, 2. Last evaluated: 2025-01-10. Review status: criteria provided, single submitter. Criteria: ACMG Guidelines, 2015. Collection method: clinical testing. Allele origin: germline.
Comment: The following ACMG criteria was used: BS1; BP1_Strong

Mayo Clinic Laboratories, Mayo Clinic
Classification: Benign. Last evaluated: 2024-11-05. Review status: criteria provided, single submitter. Criteria: ACMG Guidelines, 2015. Collection method: clinical testing. Allele origin: germline. Observed: 1 variant allele.
Comment: BS1, BP1_strong

Blueprint Genetics
Classification: Likely benign. Last evaluated: 2024-10-09. Review status: criteria provided, single submitter. Criteria: ACMG Guidelines, 2015. Collection method: clinical testing. Allele origin: germline.

ARUP Laboratories, Molecular Genetics and Genomics, ARUP Laboratories
Classification: Benign. Last evaluated: 2024-09-09. Review status: criteria provided, single submitter. Criteria: ARUP Molecular Germline Variant Investigation Process 2024. Collection method: clinical testing. Allele origin: germline.

Mendelics
Classification: Likely benign for Hereditary cancer-predisposing syndrome. Last evaluated: 2024-04-08. Review status: criteria provided, single submitter. Criteria: ACMG Guidelines, 2015. Collection method: clinical testing. Allele origin: unknown.

University of Washington Department of Laboratory Medicine, University of Washington
Classification: Likely benign for Hereditary cancer-predisposing syndrome. Last evaluated: 2023-03-23. Review status: criteria provided, single submitter. Criteria: Dines et al. (Genet Med. 2020). Collection method: curation. Allele origin: germline.
Comment: Missense variant in a coldspot region where missense variants are very unlikely to be pathogenic (PMID:31911673).

BRCA2 exon 11 coldspot. Reclassification based on statistical prior probability.

Petrovsky National Research Centre of Surgery, The Federal Agency for Scientific Organizations
Classification: Uncertain significance for Familial cancer of breast. Last evaluated: 2022-10-23. Review status: criteria provided, single submitter. Criteria: ACMG Guidelines, 2015. Collection method: clinical testing. Allele origin: germline. Inheritance: Autosomal dominant inheritance. Affected: yes. Observed: 1 heterozygote.
Comment: No additional rare candidate variants (Class III-V of pathogenicity) were found. The variant is located in a conserved domain that interacts with HSF2BP (PMID:31242413) and located close to a region that forms lattice contacts [aa 2276–2282](PMID:34373645). The variant is in Genome Aggregation Database (gnomAD) with total MAF 0.001590 (Date of access 17-10-2022) and the frequency is within prevalence of deleterious mutations in BRCA1 and BRCA2 (Mutation Prevalence Tables by Myriad Genetics Laboratories). ClinVar contains entry on this variant (Variation ID: 52199) with multiple submissions evaluating variant as “Likely benign”. Various articles describe variant with conflicting interpretation ranging from “Benign” to “Probably Pathogenic” (PMID: 30611917, 28324225, 27882345, 27527004, 27495310, 26580448, 25348012, 24094589, 23555315, 21702907, 21203900, 20380699, 20167696, 20127978, 20104584, 16489001, 9971877). In silico predictions show “Benign” or “Uncertain” based on calibrated prediction. In accordance with ACMG(2015) criteria this variant is classified as Variant of Uncertain Significance (VUS) with following criteria selected: BP4.

MGZ Medical Genetics Center
Classification: Likely benign for Breast-ovarian cancer, familial, susceptibility to, 2. Last evaluated: 2021-11-22. Review status: criteria provided, single submitter. Criteria: ACMG Guidelines, 2015. Collection method: clinical testing. Allele origin: germline. Affected: yes. Observed: 1 variant allele.
Comment: ACMG criteria applied: BS2, BP4

CHEO Genetics Diagnostic Laboratory, Children's Hospital of Eastern Ontario
Classification: Benign for Breast and/or ovarian cancer. Last evaluated: 2021-03-02. Review status: criteria provided, single submitter. Criteria: ACMG Guidelines, 2015. Collection method: clinical testing. Allele origin: germline.

GeneDx
Classification: Likely benign. Last evaluated: 2020-11-11. Review status: criteria provided, single submitter. Criteria: GeneDx Variant Classification Process June 2021. Collection method: clinical testing. Allele origin: germline. Affected: yes.
Comment: This variant is associated with the following publications: (PMID: 20104584, 20380699, 9971877, 20127978, 16489001, 21990134, 21203900, 21702907, 27495310, 12601471, 28324225, 27882345, 20167696, 24094589, 25348012, 23555315, 27527004, 26580448, 30611917)

Illumina Laboratory Services, Illumina
Classification: Likely benign for Breast-ovarian cancer, familial, susceptibility to, 2. Last evaluated: 2018-01-13. Review status: criteria provided, single submitter. Criteria: ICSL Variant Classification Criteria 13 December 2019. Collection method: clinical testing. Allele origin: germline.
Comment: This variant was observed in the ICSL laboratory as part of a predisposition screen in an ostensibly healthy population. It had not been previously curated by ICSL or reported in the Human Gene Mutation Database (HGMD: prior to June 1st, 2018), and was therefore a candidate for classification through an automated scoring system. Utilizing variant allele frequency, disease prevalence and penetrance estimates, and inheritance mode, an automated score was calculated to assess if this variant is too frequent to cause the disease. Based on the score and internal cut-off values, a variant classified as likely benign is not then subjected to further curation. The score for this variant resulted in a classification of likely benign for this disease.

Illumina Laboratory Services, Illumina
Classification: Uncertain significance for Fanconi anemia complementation group D1. Last evaluated: 2018-01-13. Review status: criteria provided, single submitter. Criteria: ICSL Variant Classification Criteria 13 December 2019. Collection method: clinical testing. Allele origin: germline.

Institute for Biomarker Research, Medical Diagnostic Laboratories, L.L.C.
Classification: Likely benign for Hereditary cancer-predisposing syndrome. Last evaluated: 2017-07-12. Review status: criteria provided, single submitter. Criteria: ACMG Guidelines, 2015. Collection method: clinical testing. Allele origin: germline.

Color Diagnostics, LLC DBA Color Health
Classification: Benign for Hereditary cancer-predisposing syndrome. Last evaluated: 2015-04-07. Review status: criteria provided, single submitter. Criteria: ACMG Guidelines, 2015. Collection method: clinical testing. Allele origin: germline.

Ambry Genetics
Classification: Benign for Hereditary cancer-predisposing syndrome. Last evaluated: 2014-12-16. Review status: criteria provided, single submitter. Criteria: Ambry Variant Classification Scheme 2023. Collection method: clinical testing. Allele origin: germline.

NM_000059.4(BRCA2):c.6821G>T (p.Gly2274Val)

Gene: BRCA2 (BRCA2 DNA repair associated; plus strand). Cytogenetic location: 13q13.1.
Variant type: single nucleotide variant.
Coding change: c.6821G>T on transcript NM_000059.4 (MANE Select); coding-DNA position 6821, G replaced by T.
Protein change: p.Gly2274Val; replaces glycine 2274 with valine.
Molecular consequence: missense variant.
Genome position (GRCh38, 1-based): chr13:32,341,176, G>T. VCF-style: chr13-32341176-G-T. GRCh37 (hg19) VCF-style: chr13-32915313-G-T.
Other names: p.G2274V:GGA>GTA; 7049G>T; short protein forms G2274V.
Identifiers: ClinVar variation 52199 (VCV000052199.88), dbSNP rs55712212, ClinGen allele CA024458.